The following is an entry in ClinVar:

ClinVar aggregate classification (germline): Uncertain significance. Review status: criteria provided, multiple submitters, no conflicts (2 of 4 stars). 3 submissions from 3 submitters: Uncertain significance (3). Last evaluated 2025-08-30.

Conditions:
Hereditary breast ovarian cancer syndrome. Also called: Hereditary breast and/or ovarian cancer syndrome; BRCA1- and BRCA2-Associated Hereditary Breast and Ovarian Cancer; Hereditary breast and ovarian cancer syndrome; Hereditary breast and ovarian cancer; Hereditary breast and ovarian cancer syndrome (HBOC); Breast and ovarian cancer. Identifiers: Orphanet 145, MedGen C0677776, MeSH D061325, MONDO:0003582. Disease mechanism: loss of function.
Breast-ovarian cancer, familial, susceptibility to, 1 (BROVCA1). Also called: BRCA1 Hereditary Breast and Ovarian Cancer; OVARIAN CANCER, SUSCEPTIBILITY TO. Identifiers: Orphanet 145, MedGen C2676676, MONDO:0011450, OMIM 604370. Disease mechanism: loss of function.
Familial cancer of breast. Also called: BREAST CANCER, FAMILIAL; hereditary breast carcinoma; Hereditary breast cancer. Identifiers: Orphanet 227535, MedGen C0346153, MONDO:0016419, OMIM 114480. Disease mechanism: loss of function.
Fanconi anemia, complementation group S (FANCS). Identifiers: MedGen C4554406, MONDO:0054748, OMIM 617883.

Submissions (4):

Labcorp Genetics (formerly Invitae), Labcorp
Classification: Uncertain significance for Hereditary breast ovarian cancer syndrome. Last evaluated: 2025-08-30. Review status: criteria provided, single submitter. Criteria: Invitae Variant Classification Sherloc (09022015). Collection method: clinical testing. Allele origin: germline.
Comment: This sequence change falls in intron 4 of the BRCA1 gene. It does not directly change the encoded amino acid sequence of the BRCA1 protein. It affects a nucleotide within the consensus splice site. This variant is not present in population databases (gnomAD no frequency). This variant has not been reported in the literature in individuals affected with BRCA1-related conditions. ClinVar contains an entry for this variant (Variation ID: 865268). Variants that disrupt the consensus splice site are a relatively common cause of aberrant splicing (PMID: 17576681, 9536098). Studies have shown that this variant does not affect mRNA splicing (PMID: 30209399). In summary, the available evidence is currently insufficient to determine the role of this variant in disease. Therefore, it has been classified as a Variant of Uncertain Significance.

Department of Pathology and Laboratory Medicine, Sinai Health System
Classification: Uncertain significance for Familial cancer of breast; Breast-ovarian cancer, familial, susceptibility to, 1; Fanconi anemia, complementation group S. Last evaluated: 2022-11-16. Review status: criteria provided, single submitter. Criteria: ACMG Guidelines, 2015. Collection method: clinical testing. Allele origin: germline. Affected: no.

Illumina Laboratory Services, Illumina
Classification: Uncertain significance for Breast-ovarian cancer, familial, susceptibility to, 1. Last evaluated: 2018-03-30. Review status: criteria provided, single submitter. Criteria: ICSL Variant Classification Criteria 13 December 2019. Collection method: clinical testing. Allele origin: germline.

Brotman Baty Institute, University of Washington
No classification provided (evidence only). Condition: Breast-ovarian cancer, familial 1. Review status: no classification provided. Collection method: in vitro. Allele origin: not applicable. Functional consequence: functionally_normal. Not counted in ClinVar's aggregate classification.
ClinVar note: "not provided" was previously submitted as the classification for the variant. However, the classification appeared to be based only on an observation of functional data so it was converted to no classification on 2025-07-30.

Literature cited by the submitters: PubMed 17576681 (cited by Labcorp Genetics (formerly Invitae), Labcorp); PubMed 9536098 (cited by Labcorp Genetics (formerly Invitae), Labcorp); PubMed 30209399 (cited by Labcorp Genetics (formerly Invitae), Labcorp).

NM_007294.4(BRCA1):c.212+5A>G

Gene: BRCA1 (BRCA1 DNA repair associated; minus strand). Cytogenetic location: 17q21.31.
Variant type: single nucleotide variant.
Coding change: c.212+5A>G on transcript NM_007294.4 (MANE Select); 5 bases into the intron after coding-DNA position 212, A replaced by G.
Molecular consequence: intron variant.
Genome position (GRCh38, 1-based): chr17:43,106,451, T>C on the plus strand (A>G on the coding strand, the complement: BRCA1 is on the minus strand). VCF-style: chr17-43106451-T-C. GRCh37 (hg19) VCF-style: chr17-41258468-T-C.
Other names: c.71+5A>G (NM_001408497.1, NM_001408511.1, NM_001408457.1 and 99 more transcripts); c.212+5A>G (NM_001407973.1, NM_001407596.1, NM_001408495.1 and 167 more transcripts); c.-218-11591A>G (NM_001407966.1, NM_001407967.1); c.-169-1495A>G (NM_001407963.1, NM_001407960.1, NM_001407965.1 and 4 more transcripts); c.2+27A>G (NM_001407899.1, NM_001408507.1, NM_001407958.1 and 58 more transcripts); c.135-1495A>G (NM_001408413.1, NM_001407660.1, NM_001407661.1 and 21 more transcripts); c.81-1495A>G (NM_001408451.1).
Identifiers: ClinVar variation 865268 (VCV000865268.17), dbSNP rs2054767462, ClinGen allele CA916080876.
Genomic context (GRCh38, chr17:43,106,451, plus strand): 5'-TAAATAATTTCTACTTTTTCCTACTGTGGTTGCTTCCAACCTAGCATCATTACCAAATTA[T>C]ATACCTTTTGGTTATATCATTCTTACATAAAGGACACTGTGAAGGCCCTTTCTTCTGGTT-3'